The following is an entry in ClinVar:

ClinVar aggregate classification (germline): Conflicting classifications of pathogenicity. Review status: criteria provided, conflicting classifications (1 of 4 stars). 3 submissions from 3 submitters: Uncertain significance (2); Likely benign (1). Last evaluated 2025-10-13.

Conditions:
Cardiovascular phenotype. Identifiers: MedGen CN230736.
Myofibrillar myopathy 4. Also called: Zaspopathy (type). Identifiers: Orphanet 98912, MedGen C4721886, MONDO:0012277, OMIM 609452.
Cardiomyopathy (CMYO). Also called: Cardiomyopathies. Identifiers: Orphanet 167848, MedGen C0878544, MONDO:0004994, HP:0001638. Inheritance: Various modes of inheritance.

Allele frequency attached by ClinVar (database versions not stated): TOPMed below 0.00001; gnomAD 0.00001; gnomAD exomes 0.00002; ExAC 0.00003.
gnomAD v4.1: 26 of 1,613,022 alleles (0.0016%); highest among the groups gnomAD compares: Non-Finnish European, 0.0019%; no homozygotes.

Submissions (3):

Labcorp Genetics (formerly Invitae), Labcorp
Classification: Uncertain significance for Myofibrillar myopathy 4. Last evaluated: 2025-10-13. Review status: criteria provided, single submitter. Criteria: Invitae Variant Classification Sherloc (09022015). Collection method: clinical testing. Allele origin: germline.
Comment: The LDB3 gene has multiple clinically relevant transcripts. This variant occurs in alternate transcript NM_007078.3, and corresponds to NM_001080116.1:c.*7278G>C, in the primary transcript. This sequence change replaces alanine, which is neutral and non-polar, with proline, which is neutral and non-polar, at codon 340 of the LDB3 protein (p.Ala340Pro). This variant is present in population databases (rs755329877, gnomAD 0.005%). This missense change has been observed in individual(s) with idiopathic ventricular fibrillation and/or left ventricular noncompaction (PMID: 21952291, 29032884). Experimental studies and prediction algorithms are not available or were not evaluated, and the functional significance of this variant is currently unknown. In summary, the available evidence is currently insufficient to determine the role of this variant in disease. Therefore, it has been classified as a Variant of Uncertain Significance.

Ambry Genetics
Classification: Likely benign for Cardiovascular phenotype. Last evaluated: 2024-03-12. Review status: criteria provided, single submitter. Criteria: Ambry Variant Classification Scheme 2023. Collection method: clinical testing. Allele origin: germline.

CHEO Genetics Diagnostic Laboratory, Children's Hospital of Eastern Ontario
Classification: Uncertain significance for Cardiomyopathy. Last evaluated: 2016-07-25. Review status: criteria provided, single submitter. Criteria: ACMG Guidelines, 2015. Collection method: clinical testing. Allele origin: germline. Study: Canadian Open Genetics Repository.

Literature cited by the submitters: PubMed 21952291 (cited by Labcorp Genetics (formerly Invitae), Labcorp and Ambry Genetics); PubMed 29032884 (cited by Labcorp Genetics (formerly Invitae), Labcorp and Ambry Genetics).

NM_007078.3(LDB3):c.1018G>C (p.Ala340Pro)

Gene: LDB3 (LIM domain binding 3; plus strand). Cytogenetic location: 10q23.2.
Variant type: single nucleotide variant.
Coding change: c.1018G>C on transcript NM_007078.3 (MANE Select); coding-DNA position 1018, G replaced by C.
Protein change: p.Ala340Pro; replaces alanine 340 with proline.
Molecular consequence: missense variant. On other transcripts: intron variant (4).
Genome position (GRCh38, 1-based): chr10:86,706,652, G>C. VCF-style: chr10-86706652-G-C. GRCh37 (hg19) VCF-style: chr10-88466409-G-C.
Other names: c.1018G>C (LRG_385t1); c.877G>C, p.Ala293Pro (NM_001368066.1); c.897-3253G>C (NM_001368064.1, NM_001368065.1); c.1101-3253G>C (NM_001171610.2); c.756-3253G>C (NM_001080114.2); short protein forms A340P, A293P.
Identifiers: ClinVar variation 626501 (VCV000626501.11), dbSNP rs755329877, ClinGen allele CA5585032.
Genomic context (GRCh38, chr10:86,706,652, plus strand): 5'-TCTGCCCAGCCACCTGCTGCTGCCTCTCCCAGTGCGGCTTCGCCACCCCTGGCCACAGCT[G>C]CTGCCCACACTGCCATCGCCTCCGCCTCCACCACAGCCCCTGCTTCAAGTCCTGCCGACA-3'
Protein context (NP_009009.1, residues 330-350): SAASPPLATA[Ala340Pro]AHTAIASAST